The following is an entry in ClinVar:

NM_007078.3(LDB3):c.690-4842G>T

Genes: LDB3 (LIM domain binding 3; plus strand), LOC110121486 (VISTA enhancer hs2143; plus strand). Cytogenetic location: 10q23.2.
Variant type: single nucleotide variant.
Coding change: c.690-4842G>T on transcript NM_007078.3 (MANE Select); 4842 bases into the intron before coding-DNA position 690, G replaced by T.
Molecular consequence: intron variant.
Genome position (GRCh38, 1-based): chr10:86,687,054, G>T. VCF-style: chr10-86687054-G-T. GRCh37 (hg19) VCF-style: chr10-88446811-G-T.
Other names: c.690-4842G>T (NM_001368064.1, NM_001368063.1, NM_001368065.1 and 1 more transcripts); c.345-15G>T (NM_001368068.1, NM_001368066.1, NM_001080114.2 and 2 more transcripts); c.690-15G>T (NM_001171610.2, NM_001171611.2).
Identifiers: ClinVar variation 43876 (VCV000043876.7), dbSNP rs113445294, ClinGen allele CA133074.

ClinVar aggregate classification (germline): Likely benign. Review status: criteria provided, multiple submitters, no conflicts (2 of 4 stars). 2 submissions from 2 submitters: Likely benign (2). Last evaluated 2025-09-03.

Conditions:
Myofibrillar myopathy 4. Also called: Zaspopathy (type). Identifiers: Orphanet 98912, MedGen C4721886, MONDO:0012277, OMIM 609452.

gnomAD v4.1: 9 of 1,612,684 alleles (0.00056%); highest among the groups gnomAD compares: Admixed American, 0.01%; no homozygotes.

Submissions (2):

Labcorp Genetics (formerly Invitae), Labcorp
Classification: Likely benign for Myofibrillar myopathy 4. Last evaluated: 2025-09-03. Review status: criteria provided, single submitter. Criteria: Invitae Variant Classification Sherloc (09022015). Collection method: clinical testing. Allele origin: germline.

Laboratory for Molecular Medicine, Mass General Brigham Personalized Medicine
Classification: Likely benign. Last evaluated: 2013-01-23. Review status: criteria provided, single submitter. Criteria: LMM Criteria. Collection method: clinical testing. Allele origin: germline. Observed: 1 variant allele.
Comment: 345-15G>T in intron 5 of LDB3: This variant is not expected to have clinical sig nificance because it is not predicted to impact splicing and another variant at this position (345-15G>A) is common in the general population. 345-15G>T in int ron 5 of LDB3 (allele frequency = n/a)